The following is an entry in ClinVar:

NM_006073.4(TRDN):c.991+1G>A

Gene: TRDN (triadin; minus strand). Cytogenetic location: 6q22.31.
Variant type: single nucleotide variant.
Coding change: c.991+1G>A on transcript NM_006073.4 (MANE Select); the canonical splice donor site of the intron after coding-DNA position 991, G replaced by A.
Molecular consequence: splice donor variant.
Genome position (GRCh38, 1-based): chr6:123,438,943, C>T on the plus strand (G>A on the coding strand, the complement: TRDN is on the minus strand). VCF-style: chr6-123438943-C-T. GRCh37 (hg19) VCF-style: chr6-123760088-C-T.
Other names: c.931+1G>A (NM_001407315.1); c.991+1G>A (NM_001251987.2).
Identifiers: ClinVar variation 3717909 (VCV003717909.1).
Genomic context (GRCh38, chr6:123,438,943, plus strand): 5'-CAGTAGTATTATGCATGGACACTAATTGATTTATGTGGTACATGGCTTTTAAATTTCCTA[C>T]CTTTCTTTTTTGTTTCAGAAGTAACTTTCTTCTCAGCCTTCTTCTTTTCCCCTTCTTTTT-3'

ClinVar aggregate classification (germline): Likely pathogenic (1 of 4 stars; one submission).

Conditions:
Catecholaminergic polymorphic ventricular tachycardia 1. Also called: VENTRICULAR TACHYCARDIA, STRESS-INDUCED POLYMORPHIC 1; VENTRICULAR TACHYCARDIA, CATECHOLAMINERGIC POLYMORPHIC, 1, WITH OR WITHOUT ATRIAL DYSFUNCTION AND/OR DILATED CARDIOMYOPATHY; RYR2-Related Catecholaminergic Polymorphic Ventricular Tachycardia. Identifiers: Orphanet 3286, MedGen C1631597, MONDO:0011484, OMIM 604772.

Submission:

Labcorp Genetics (formerly Invitae), Labcorp
Classification: Likely pathogenic for Catecholaminergic polymorphic ventricular tachycardia 1. Last evaluated: 2024-05-26. Review status: criteria provided, single submitter. Criteria: Invitae Variant Classification Sherloc (09022015). Collection method: clinical testing. Allele origin: germline.
Comment: This sequence change affects a donor splice site in intron 11 of the TRDN gene. It is expected to disrupt RNA splicing. Variants that disrupt the donor or acceptor splice site typically lead to a loss of protein function (PMID: 16199547), and loss-of-function variants in TRDN are known to be pathogenic (PMID: 22422768, 25922419, 26200674, 30649896). This variant is not present in population databases (gnomAD no frequency). This variant has not been reported in the literature in individuals affected with TRDN-related conditions. Algorithms developed to predict the effect of sequence changes on RNA splicing suggest that this variant may disrupt the consensus splice site. In summary, the currently available evidence indicates that the variant is pathogenic, but additional data are needed to prove that conclusively. Therefore, this variant has been classified as Likely Pathogenic.

Literature cited by the submitters: PubMed 16199547; PubMed 22422768; PubMed 25922419; PubMed 26200674; PubMed 30649896.